The following is an entry in ClinVar:

NC_000023.10:g.(?_133119292)_(133119476_?)dup

Gene: GPC3 (glypican 3; minus strand). Cytogenetic location: Xq26.2.
Variant type: Duplication.
Identifiers: ClinVar variation 2425132 (VCV002425132.6).

ClinVar aggregate classification (germline): Uncertain significance (1 of 4 stars; one submission).

Conditions:
Wilms tumor 1 (WT1). Also called: Wilms tumor, somatic. Identifiers: Orphanet 654, MedGen CN033288, MONDO:0008679, OMIM 194070.

Submission:

Labcorp Genetics (formerly Invitae), Labcorp
Classification: Uncertain significance for Wilms tumor 1. Last evaluated: 2021-11-12. Review status: criteria provided, single submitter. Criteria: Invitae Variant Classification Sherloc (09022015). Collection method: clinical testing. Allele origin: germline.
Comment: Experimental studies and prediction algorithms are not available or were not evaluated, and the functional significance of this variant is currently unknown. This variant has not been reported in the literature in individuals affected with GPC3-related conditions. This variant results in a copy number gain of the genomic region encompassing exon(s) 1 of the GPC3 gene. This region includes the initiator codon of the gene. This copy number gain extends beyond the assayed region for this gene and therefore may encompass additional genes. As the precise location of this event is unknown, it may be in tandem or it may be located elsewhere in the genome. In summary, the available evidence is currently insufficient to determine the role of this variant in disease. Therefore, it has been classified as a Variant of Uncertain Significance.